The following is an entry in ClinVar:

NM_001453.3(FOXC1):c.406_418del (p.Phe136fs)

Gene: FOXC1 (forkhead box C1; plus strand). Cytogenetic location: 6p25.3.
Variant type: Deletion.
Coding change: c.406_418del on transcript NM_001453.3 (MANE Select); coding-DNA positions 406 to 418, 13 bases deleted (TTCGTCAAGGTGC).
Protein change: p.Phe136fs; shifts the reading frame from phenylalanine 136.
Molecular consequence: frameshift variant.
Genome position (GRCh38, 1-based): chr6:1,610,851-1,610,863, TTCGTCAAGGTGC deleted; deleting any 13 consecutive bases within chr6:1,610,847-1,610,863 gives the same sequence; the c. name uses the placement nearest the transcript's 3' end. VCF-style (leftmost placement, unchanged base first): chr6-1610846-AGTGCTTCGTCAAG-A. GRCh37 (hg19) VCF-style: chr6-1611081-AGTGCTTCGTCAAG-A.
Other names: short protein forms F136fs.
Identifiers: ClinVar variation 2578992 (VCV002578992.25), dbSNP rs2480502495, ClinGen allele CA2580617996.

ClinVar aggregate classification (germline): Likely pathogenic (1 of 4 stars; one submission).

Submission:

CeGaT Center for Human Genetics Tuebingen
Classification: Likely pathogenic. Last evaluated: 2023-07-01. Review status: criteria provided, single submitter. Criteria: CeGaT Center For Human Genetics Tuebingen Variant Classification Criteria Version 2. Collection method: clinical testing. Allele origin: germline. Affected: yes. Observed: 1 variant allele.
Comment: FOXC1: PVS1:Strong, PM2, PP4